The following is an entry in ClinVar:

ClinVar aggregate classification (germline): Benign. Review status: criteria provided, single submitter (1 of 4 stars). 2 submissions from 2 submitters: Benign (1). 1 of the submissions does not count toward it. Last evaluated 2026-01-07.

Conditions:
ACACA-related disorder. Also called: ACACA-related condition.

Allele frequency attached by ClinVar (database versions not stated): gnomAD 0.00111; TOPMed 0.00134; ESP Exome Variant Server 0.00008; gnomAD exomes 0.00052; ExAC 0.00204; 1000 Genomes Project 0.00419; 1000 Genomes Project 30x 0.00437.
gnomAD v4.1: 995 of 1,614,074 alleles (0.062%); highest among the groups gnomAD compares: East Asian, 1.9%; 12 homozygotes.

Submissions (2):

Labcorp Genetics (formerly Invitae), Labcorp
Classification: Benign. Last evaluated: 2026-01-07. Review status: criteria provided, single submitter. Criteria: Invitae Variant Classification Sherloc (09022015). Collection method: clinical testing. Allele origin: germline.

PreventionGenetics, part of Exact Sciences
Classification: Benign for ACACA-related condition. Last evaluated: 2019-03-13. Review status: no assertion criteria provided. Collection method: clinical testing. Allele origin: germline. Not counted in ClinVar's aggregate classification.
Comment: This variant is classified as benign based on ACMG/AMP sequence variant interpretation guidelines (Richards et al. 2015 PMID: 25741868, with internal and published modifications).

NM_198834.3(ACACA):c.1602C>T (p.His534=)

Gene: ACACA (acetyl-CoA carboxylase alpha; minus strand). Cytogenetic location: 17q12.
Variant type: single nucleotide variant.
Coding change: c.1602C>T on transcript NM_198834.3 (MANE Select); coding-DNA position 1602, C replaced by T.
Protein change: p.His534=; no amino-acid change (histidine 534 retained).
Molecular consequence: synonymous variant.
Genome position (GRCh38, 1-based): chr17:37,258,272, G>A on the plus strand (C>T on the coding strand, the complement: ACACA is on the minus strand). VCF-style: chr17-37258272-G-A. GRCh37 (hg19) VCF-style: chr17-35615194-G-A.
Other names: c.1602C>T (NM_198834.2); c.1491C>T, p.His497= (NM_198836.3, NM_198839.3); c.1317C>T, p.His439= (NM_198837.2); c.1257C>T, p.His419= (NM_198838.2).
Identifiers: ClinVar variation 1988771 (VCV001988771.6), dbSNP rs145228147, ClinGen allele CA8515753.
Genomic context (GRCh38, chr17:37,258,272, plus strand): 5'-CTCATCTGGATTTTCACTAGTGATCCGAGCAGCAATAACATGGCCCCTTGGACAAGGAAC[G>A]TGTGCAGAATCTTCAAAATCAATGGGAGAATCACCCCAGGGAGATACCCCATACATCATA-3'
Protein context (NP_942131.1, residues 524-544): DSPIDFEDSA[His534=]VPCPRGHVIA